The following is an entry in ClinVar:

NM_004526.4(MCM2):c.436C>T (p.Arg146Cys)

Gene: MCM2 (minichromosome maintenance complex component 2; plus strand). Cytogenetic location: 3q21.3.
Variant type: single nucleotide variant.
Coding change: c.436C>T on transcript NM_004526.4 (MANE Select); coding-DNA position 436, C replaced by T.
Protein change: p.Arg146Cys; replaces arginine 146 with cysteine.
Molecular consequence: missense variant. On other transcripts: non-coding transcript variant (1).
Genome position (GRCh38, 1-based): chr3:127,604,919, C>T. VCF-style: chr3-127604919-C-T. GRCh37 (hg19) VCF-style: chr3-127323762-C-T.
Other names: short protein forms R146C.
Identifiers: ClinVar variation 1396340 (VCV001396340.6), dbSNP rs200927653, ClinGen allele CA2595584.

ClinVar aggregate classification (germline): Uncertain significance (1 of 4 stars; one submission).

Allele frequency attached by ClinVar (database versions not stated): gnomAD exomes 0.00002 and 0.00004; TOPMed 0.00003; ExAC 0.00004; gnomAD 0.00004 and 0.00006; ESP Exome Variant Server 0.00008; 1000 Genomes Project 30x 0.00016; 1000 Genomes Project 0.00020.
gnomAD v4.1: 31 of 1,612,416 alleles (0.0019%); highest among the groups gnomAD compares: African/African-American, 0.0027%; no homozygotes.

Submission:

Labcorp Genetics (formerly Invitae), Labcorp
Classification: Uncertain significance. Last evaluated: 2021-08-03. Review status: criteria provided, single submitter. Criteria: Invitae Variant Classification Sherloc (09022015). Collection method: clinical testing. Allele origin: germline.
Comment: In summary, the available evidence is currently insufficient to determine the role of this variant in disease. Therefore, it has been classified as a Variant of Uncertain Significance. Algorithms developed to predict the effect of missense changes on protein structure and function are either unavailable or do not agree on the potential impact of this missense change (SIFT: "Tolerated"; PolyPhen-2: "Possibly Damaging"; Align-GVGD: "Class C0"). This variant has not been reported in the literature in individuals affected with MCM2-related conditions. This variant is present in population databases (rs200927653, ExAC 0.01%). This sequence change replaces arginine with cysteine at codon 146 of the MCM2 protein (p.Arg146Cys). The arginine residue is moderately conserved and there is a large physicochemical difference between arginine and cysteine.